The following is an entry in ClinVar:

ClinVar aggregate classification (germline): Likely benign (0 of 4 stars; one submission).

Conditions:
PTPRD-related disorder. Also called: PTPRD-related condition.

Allele frequency attached by ClinVar (database versions not stated): gnomAD 0.00021; TOPMed 0.00022; ExAC 0.00023; gnomAD exomes 0.00057; ESP Exome Variant Server 0.00058.
gnomAD v4.1: 832 of 1,580,176 alleles (0.053%); highest among the groups gnomAD compares: Non-Finnish European, 0.07%; no homozygotes.

Submission:

PreventionGenetics, part of Exact Sciences
Classification: Likely benign for PTPRD-related condition. Last evaluated: 2019-03-04. Review status: no assertion criteria provided. Collection method: clinical testing. Allele origin: germline.
Comment: This variant is classified as likely benign based on ACMG/AMP sequence variant interpretation guidelines (Richards et al. 2015 PMID: 25741868, with internal and published modifications).

NM_002839.4(PTPRD):c.561A>G (p.Pro187=)

Gene: PTPRD (protein tyrosine phosphatase receptor type D; minus strand). Cytogenetic location: 9p24.1.
Variant type: single nucleotide variant.
Coding change: c.561A>G on transcript NM_002839.4 (MANE Select); coding-DNA position 561, A replaced by G.
Protein change: p.Pro187=; no amino-acid change (proline 187 retained).
Molecular consequence: synonymous variant. On other transcripts: intron variant (3).
Genome position (GRCh38, 1-based): chr9:8,526,634, T>C on the plus strand (A>G on the coding strand, the complement: PTPRD is on the minus strand). VCF-style: chr9-8526634-T-C. GRCh37 (hg19) VCF-style: chr9-8526634-T-C.
Other names: c.552A>G, p.Pro184= (NM_001040712.2, NM_001377947.1); c.561A>G, p.Pro187= (NM_001377958.1, NM_001378058.1, NM_130391.4 and 1 more transcripts); c.550+711A>G (NM_001171025.2, NM_001377946.1, NM_130393.3).
Identifiers: ClinVar variation 3057886 (VCV003057886.2), dbSNP rs201761674, ClinGen allele CA4984832.